The following is an entry in ClinVar:

ClinVar aggregate classification (germline): Uncertain significance (1 of 4 stars; one submission).

Submission:

CeGaT Center for Human Genetics Tuebingen
Classification: Uncertain significance. Last evaluated: 2023-07-01. Review status: criteria provided, single submitter. Criteria: CeGaT Center For Human Genetics Tuebingen Variant Classification Criteria Version 2. Collection method: clinical testing. Allele origin: germline. Affected: yes. Observed: 1 variant allele.
Comment: PCLO: PM2:Supporting, BP4

NM_033026.6(PCLO):c.12546C>T (p.Ala4182=)

Gene: PCLO (piccolo presynaptic cytomatrix protein; minus strand). Cytogenetic location: 7q21.11.
Variant type: single nucleotide variant.
Coding change: c.12546C>T on transcript NM_033026.6 (MANE Select); coding-DNA position 12546, C replaced by T.
Protein change: p.Ala4182=; no amino-acid change (alanine 4182 retained).
Molecular consequence: synonymous variant.
Genome position (GRCh38, 1-based): chr7:82,915,440, G>A on the plus strand (C>T on the coding strand, the complement: PCLO is on the minus strand). VCF-style: chr7-82915440-G-A. GRCh37 (hg19) VCF-style: chr7-82544756-G-A.
Other names: c.12546C>T, p.Ala4182= (NM_014510.3).
Identifiers: ClinVar variation 2657645 (VCV002657645.24), dbSNP rs2535548993, ClinGen allele CA456337102.